The following is an entry in ClinVar:

ClinVar aggregate classification (germline): Uncertain significance (1 of 4 stars; one submission).

Conditions:
Developmental and epileptic encephalopathy, 36 (DEE36). Also called: Epileptic encephalopathy, early infantile, 36; Congenital disorder of glycosylation, type Is; ALG13-CDG. Identifiers: Orphanet 324422, MedGen C4317295, MONDO:0010472, OMIM 300884.

Allele frequency attached by ClinVar (database versions not stated): ExAC 0.00001; gnomAD 0.00001; 1000 Genomes Project 30x 0.00021; 1000 Genomes Project 0.00026.
gnomAD v4.1: 1 of 1,166,839 alleles (0.000086%); highest among the groups gnomAD compares: East Asian, 0.003%; no homozygotes.

Submission:

Labcorp Genetics (formerly Invitae), Labcorp
Classification: Uncertain significance for Developmental and epileptic encephalopathy, 36. Last evaluated: 2022-09-02. Review status: criteria provided, single submitter. Criteria: Invitae Variant Classification Sherloc (09022015). Collection method: clinical testing. Allele origin: germline.
Comment: In summary, the available evidence is currently insufficient to determine the role of this variant in disease. Therefore, it has been classified as a Variant of Uncertain Significance. Algorithms developed to predict the effect of sequence changes on RNA splicing suggest that this variant may create or strengthen a splice site. Algorithms developed to predict the effect of missense changes on protein structure and function are either unavailable or do not agree on the potential impact of this missense change (SIFT: "Deleterious"; PolyPhen-2: "Probably Damaging"; Align-GVGD: "Class C0"). This variant has not been reported in the literature in individuals affected with ALG13-related conditions. This variant is not present in population databases (gnomAD no frequency). This sequence change replaces leucine, which is neutral and non-polar, with proline, which is neutral and non-polar, at codon 308 of the ALG13 protein (p.Leu308Pro).

NM_001099922.3(ALG13):c.923T>C (p.Leu308Pro)

Gene: ALG13 (ALG13 UDP-N-acetylglucosaminyltransferase subunit; plus strand). Cytogenetic location: Xq23.
Variant type: single nucleotide variant.
Coding change: c.923T>C on transcript NM_001099922.3 (MANE Select); coding-DNA position 923, T replaced by C.
Protein change: p.Leu308Pro; replaces leucine 308 with proline.
Molecular consequence: missense variant.
Genome position (GRCh38, 1-based): chrX:111,712,521, T>C. VCF-style: chrX-111712521-T-C. GRCh37 (hg19) VCF-style: chrX-110955749-T-C.
Other names: c.611T>C, p.Leu204Pro (NM_001257230.2, NM_001257234.2, NM_001257237.2 and 1 more transcripts); c.689T>C, p.Leu230Pro (NM_001257231.2); c.923T>C, p.Leu308Pro (NM_001324292.2); short protein forms L204P, L230P, L308P.
Identifiers: ClinVar variation 1716831 (VCV001716831.6), dbSNP rs187825159, ClinGen allele CA10493608.